The following is an entry in ClinVar:

ClinVar aggregate classification (germline): Likely benign (1 of 4 stars; one submission).

Conditions:
NR1H4-related disorder. Also called: NR1H4-related condition.

gnomAD v4.1: 58 of 1,614,092 alleles (0.0036%); highest among the groups gnomAD compares: East Asian, 0.027%; no homozygotes.

Submission:

PreventionGenetics, part of Exact Sciences
Classification: Likely benign for NR1H4-related condition. Last evaluated: 2024-11-14. Review status: criteria provided, single submitter. Criteria: ACMG Guidelines, 2015. Collection method: clinical testing. Allele origin: germline.
Comment: This variant is classified as likely benign based on ACMG/AMP sequence variant interpretation guidelines (Richards et al. 2015 PMID: 25741868, with internal and published modifications).

NM_001206979.2(NR1H4):c.1035G>A (p.Pro345=)

Gene: NR1H4 (nuclear receptor subfamily 1 group H member 4; plus strand). Cytogenetic location: 12q23.1.
Variant type: single nucleotide variant.
Coding change: c.1035G>A on transcript NM_001206979.2 (MANE Select); coding-DNA position 1035, G replaced by A.
Protein change: p.Pro345=; no amino-acid change (proline 345 retained).
Molecular consequence: synonymous variant. On other transcripts: non-coding transcript variant (1).
Genome position (GRCh38, 1-based): chr12:100,540,775, G>A. VCF-style: chr12-100540775-G-A. GRCh37 (hg19) VCF-style: chr12-100934553-G-A.
Other names: c.1035G>A, p.Pro345= (NM_001206977.2); c.882G>A, p.Pro294= (NM_001206978.2); c.1053G>A, p.Pro351= (NM_001206992.2); c.1065G>A, p.Pro355= (NM_001206993.2); c.1023G>A, p.Pro341= (NM_005123.4).
Identifiers: ClinVar variation 4990345 (VCV004990345.1).